The following is an entry in ClinVar:

ClinVar aggregate classification (germline): Uncertain significance (1 of 4 stars; one submission).

Conditions:
Episodic kinesigenic dyskinesia (EKD). Also called: Paroxysmal kinesigenic dyskinesia. Identifiers: Orphanet 98809, MedGen C1868682, MONDO:0044202.

Allele frequency attached by ClinVar (database versions not stated): gnomAD exomes below 0.00001; ExAC 0.00001.

Submission:

Labcorp Genetics (formerly Invitae), Labcorp
Classification: Uncertain significance for Episodic kinesigenic dyskinesia. Last evaluated: 2021-03-15. Review status: criteria provided, single submitter. Criteria: Invitae Variant Classification Sherloc (09022015). Collection method: clinical testing. Allele origin: germline.
Comment: This sequence change replaces valine with methionine at codon 256 of the PRRT2 protein (p.Val256Met). The valine residue is highly conserved and there is a small physicochemical difference between valine and methionine. The frequency data for this variant in the population databases is considered unreliable, as metrics indicate poor data quality at this position in the ExAC database. This variant has not been reported in the literature in individuals with PRRT2-related conditions. Algorithms developed to predict the effect of missense changes on protein structure and function are either unavailable or do not agree on the potential impact of this missense change (SIFT: "Deleterious"; PolyPhen-2: "Possibly Damaging"; Align-GVGD: "Class C0"). In summary, the available evidence is currently insufficient to determine the role of this variant in disease. Therefore, it has been classified as a Variant of Uncertain Significance.

NM_145239.3(PRRT2):c.766G>A (p.Val256Met)

Genes: MVP-DT (MVP divergent transcript; minus strand), PRRT2 (proline rich transmembrane protein 2; plus strand). Cytogenetic location: 16p11.2.
Variant type: single nucleotide variant.
Coding change: c.766G>A on transcript NM_145239.3 (MANE Select); coding-DNA position 766, G replaced by A.
Protein change: p.Val256Met; replaces valine 256 with methionine.
Molecular consequence: missense variant.
Genome position (GRCh38, 1-based): chr16:29,813,820, G>A. VCF-style: chr16-29813820-G-A. GRCh37 (hg19) VCF-style: chr16-29825141-G-A.
Other names: c.766G>A, p.Val256Met (NM_001256442.2, NM_001256443.2); short protein forms V256M.
Identifiers: ClinVar variation 861068 (VCV000861068.10), dbSNP rs761038109, ClinGen allele CA7994584.